The following is an entry in ClinVar:

ClinVar aggregate classification (germline): Uncertain significance. Review status: criteria provided, multiple submitters, no conflicts (2 of 4 stars). 2 submissions from 2 submitters: Uncertain significance (2). Last evaluated 2025-05-20.

Conditions:
Cystic fibrosis (CF). Also called: MUCOVISCIDOSIS. Identifiers: Orphanet 586, MedGen C0010674, MONDO:0009061, OMIM 219700. Disease mechanism: loss of function.

Submissions (2):

Women's Health and Genetics/Laboratory Corporation of America, LabCorp
Classification: Uncertain significance. Last evaluated: 2025-05-20. Review status: criteria provided, single submitter. Criteria: LabCorp Variant Classification Summary - May 2015. Collection method: clinical testing. Allele origin: germline.
Comment: Variant summary: CFTR c.1842C>A (p.Asp614Glu) results in a conservative amino acid change in the encoded protein sequence. Algorithms developed to predict the effect of missense changes on protein structure and function are either unavailable or do not agree on the potential impact of this missense change. The variant was absent in 229320 control chromosomes. The available data on variant occurrences in the general population are insufficient to allow any conclusion about variant significance. To our knowledge, no occurrence of c.1842C>A in individuals affected with Cystic Fibrosis and no experimental evidence demonstrating its impact on protein function have been reported. A different variant affecting the same codon has been classified as likely pathogenic/pathogenic by our lab (c.1841A>G, p.Asp614Gly), supporting the critical relevance of codon 614 to CFTR protein function. ClinVar contains an entry for this variant (Variation ID: 2575219). Based on the evidence outlined above, the variant was classified as uncertain significance.

Johns Hopkins Genomics, Johns Hopkins University
Classification: Uncertain significance for Cystic fibrosis. Last evaluated: 2023-07-14. Review status: criteria provided, single submitter. Criteria: ACMG Guidelines, 2015. Collection method: clinical testing. Allele origin: germline.
Comment: This CFTR missense variant is absent from a large population dataset and has not been reported in ClinVar nor the literature, to our knowledge. Three bioinformatic tools queried predict that this substitution would be damaging and the aspartic acid residue at this position is evolutionarily conserved across all species assessed except one. We consider the clinical significance of CFTR c.1842C>A to be uncertain at this time.

NM_000492.4(CFTR):c.1842C>A (p.Asp614Glu)

Gene: CFTR (CF transmembrane conductance regulator; plus strand). Cytogenetic location: 7q31.2.
Variant type: single nucleotide variant.
Coding change: c.1842C>A on transcript NM_000492.4 (MANE Select); coding-DNA position 1842, C replaced by A.
Protein change: p.Asp614Glu; replaces aspartic acid 614 with glutamic acid.
Molecular consequence: missense variant.
Genome position (GRCh38, 1-based): chr7:117,592,009, C>A. VCF-style: chr7-117592009-C-A. GRCh37 (hg19) VCF-style: chr7-117232063-C-A.
Other names: short protein forms D614E.
Identifiers: ClinVar variation 2575219 (VCV002575219.3), dbSNP rs2485109174, ClinGen allele CA368978339.
Genomic context (GRCh38, chr7:117,592,009, plus strand): 5'-GATGGCTAACAAAACTAGGATTTTGGTCACTTCTAAAATGGAACATTTAAAGAAAGCTGA[C>A]AAAATATTAATTTTGCATGAAGGTAGCAGCTATTTTTATGGGACATTTTCAGAACTCCAA-3'
Protein context (NP_000483.3, residues 604-624): TSKMEHLKKA[Asp614Glu]KILILHEGSS